The following is an entry in ClinVar:

NM_014319.5(LEMD3):c.2305+4T>C

Gene: LEMD3 (LEM domain containing 3; plus strand). Cytogenetic location: 12q14.3.
Variant type: single nucleotide variant.
Coding change: c.2305+4T>C on transcript NM_014319.5 (MANE Select); 4 bases into the intron after coding-DNA position 2305, T replaced by C.
Molecular consequence: intron variant.
Genome position (GRCh38, 1-based): chr12:65,241,091, T>C. VCF-style: chr12-65241091-T-C. GRCh37 (hg19) VCF-style: chr12-65634871-T-C.
Other names: c.2302+4T>C (NM_001167614.2).
Identifiers: ClinVar variation 714180 (VCV000714180.14), dbSNP rs138310805, ClinGen allele CA6671182.

ClinVar aggregate classification (germline): Benign. Review status: criteria provided, multiple submitters, no conflicts (2 of 4 stars). 2 submissions from 2 submitters: Benign (2). Last evaluated 2026-01-26.

Conditions:
Dermatofibrosis lenticularis disseminata (BOS). Also called: DERMATOFIBROSIS LENTICULARIS DISSEMINATA WITH OSTEOPOIKILOSIS; DERMATOOSTEOPOIKILOSIS; OSTEOPATHIA CONDENSANS DISSEMINATA. Identifiers: Orphanet 1306, MedGen C0265514, MONDO:0008157, OMIM 166700.

Allele frequency attached by ClinVar (database versions not stated): gnomAD exomes 0.00084 and 0.00224; ExAC 0.00291; 1000 Genomes Project 0.00479; 1000 Genomes Project 30x 0.00531; gnomAD 0.00935 and 0.01019; TOPMed 0.01073; ESP Exome Variant Server 0.01076.
gnomAD v4.1: 2,721 of 1,612,578 alleles (0.17%); highest among the groups gnomAD compares: African/African-American, 3.2%; 37 homozygotes.

Submissions (2):

Labcorp Genetics (formerly Invitae), Labcorp
Classification: Benign. Last evaluated: 2026-01-26. Review status: criteria provided, single submitter. Criteria: Invitae Variant Classification Sherloc (09022015). Collection method: clinical testing. Allele origin: germline.

Illumina Laboratory Services, Illumina
Classification: Benign for Dermatofibrosis lenticularis disseminata. Last evaluated: 2018-01-13. Review status: criteria provided, single submitter. Criteria: ICSL Variant Classification Criteria 13 December 2019. Collection method: clinical testing. Allele origin: germline.
Comment: This variant was observed in the ICSL laboratory as part of a predisposition screen in an ostensibly healthy population. It had not been previously curated by ICSL or reported in the Human Gene Mutation Database (HGMD: prior to June 1st, 2018), and was therefore a candidate for classification through an automated scoring system. Utilizing variant allele frequency, disease prevalence and penetrance estimates, and inheritance mode, an automated score was calculated to assess if this variant is too frequent to cause the disease. Based on the score and internal cut-off values, a variant classified as benign is not then subjected to further curation. The score for this variant resulted in a classification of benign for this disease.